The following is an entry in ClinVar:

NM_005359.6(SMAD4):c.264A>G (p.Lys88=)

Gene: SMAD4 (SMAD family member 4; plus strand). Cytogenetic location: 18q21.2.
Variant type: single nucleotide variant.
Coding change: c.264A>G on transcript NM_005359.6 (MANE Select); coding-DNA position 264, A replaced by G.
Protein change: p.Lys88=; no amino-acid change (lysine 88 retained).
Molecular consequence: synonymous variant.
Genome position (GRCh38, 1-based): chr18:51,048,700, A>G. VCF-style: chr18-51048700-A-G. GRCh37 (hg19) VCF-style: chr18-48575070-A-G.
Identifiers: ClinVar variation 484801 (VCV000484801.20), dbSNP rs1555685155, ClinGen allele CA503873545.

ClinVar aggregate classification (germline): Benign/Likely benign. Review status: criteria provided, multiple submitters, no conflicts (2 of 4 stars). 5 submissions from 5 submitters: Benign (1); Likely benign (4). Last evaluated 2025-03-18.

Conditions:
Hereditary cancer-predisposing syndrome. Also called: Hereditary neoplastic syndrome; Tumor predisposition; Neoplastic Syndromes, Hereditary; Hereditary Cancer Syndrome. Identifiers: Orphanet 140162, MedGen C0027672, MeSH D009386, MONDO:0015356.
Familial thoracic aortic aneurysm and aortic dissection (TAAD). Also called: Thoracic aortic aneurysms and dissections. Identifiers: Orphanet 91387, MedGen C4707243, MONDO:0019625.
Juvenile polyposis syndrome (JPS). Identifiers: Orphanet 2929, MedGen C0345893, MONDO:0017380, OMIM 174900.
Juvenile polyposis/hereditary hemorrhagic telangiectasia syndrome (JPHT). Also called: Juvenile Polyposis Syndrome / Hereditary Hemorrhagic Telangiectasia (JPS/HHT); JP/HHT SYNDROME; JUVENILE POLYPOSIS WITH HEREDITARY HEMORRHAGIC TELANGIECTASIA; POLYPOSIS, GENERALIZED JUVENILE, WITH PULMONARY ARTERIOVENOUS MALFORMATION; TELANGIECTASIA, HEREDITARY HEMORRHAGIC, WITH JUVENILE POLYPOSIS COLI. Identifiers: Orphanet 2929, MedGen C1832942, MONDO:0008278, OMIM 175050.

Submissions (5):

Myriad Genetics, Inc.
Classification: Benign for Juvenile polyposis/hereditary hemorrhagic telangiectasia syndrome. Last evaluated: 2025-03-18. Review status: criteria provided, single submitter. Criteria: Myriad Autosomal Dominant, Autosomal Recessive and X-Linked Classification Criteria (2023). Collection method: clinical testing. Allele origin: unknown.
Comment: This variant is considered benign. This variant is a silent/synonymous amino acid change, and it is not expected to impact splicing.

All of Us Research Program, National Institutes of Health
Classification: Likely benign for Juvenile polyposis/hereditary hemorrhagic telangiectasia syndrome. Last evaluated: 2023-12-13. Review status: criteria provided, single submitter. Criteria: ACMG Guidelines, 2015. Collection method: clinical testing. Allele origin: germline. Inheritance: Autosomal dominant inheritance. Observed: 1 variant allele, 1 heterozygote.
Comment: This study involves interpretation of variants in research participants for the purpose of population health screening. Participant phenotype was not available at the time of variant classification. Additional details can be found in publication PMID: 35346344, PMCID: PMC8962531

Labcorp Genetics (formerly Invitae), Labcorp
Classification: Likely benign for Juvenile polyposis syndrome. Last evaluated: 2023-05-21. Review status: criteria provided, single submitter. Criteria: Invitae Variant Classification Sherloc (09022015). Collection method: clinical testing. Allele origin: germline.

Color Diagnostics, LLC DBA Color Health
Classification: Likely benign for Hereditary cancer-predisposing syndrome. Last evaluated: 2019-05-22. Review status: criteria provided, single submitter. Criteria: ACMG Guidelines, 2015. Collection method: clinical testing. Allele origin: germline.

Ambry Genetics
Classification: Likely benign for Hereditary cancer-predisposing syndrome; Familial thoracic aortic aneurysm and aortic dissection. Last evaluated: 2016-07-19. Review status: criteria provided, single submitter. Criteria: Ambry Variant Classification Scheme 2023. Collection method: clinical testing. Allele origin: germline.